The following is an entry in ClinVar:

ClinVar aggregate classification (germline): Uncertain significance. Review status: criteria provided, multiple submitters, no conflicts (2 of 4 stars). 2 submissions from 2 submitters: Uncertain significance (2). Last evaluated 2025-12-06.

Conditions:
Microcephaly-capillary malformation syndrome (MICCAP). Identifiers: Orphanet 294016, MedGen C3280296, MONDO:0013659, OMIM 614261.
Inborn genetic diseases. Identifiers: MedGen C0950123, MeSH D030342.

gnomAD v4.1: 1 of 1,614,210 alleles (0.000062%); highest among the groups gnomAD compares: Admixed American, 0.0017%; no homozygotes.

Submissions (2):

Clinical Genomics Laboratory, Washington University in St. Louis
Classification: Uncertain significance for Microcephaly-capillary malformation syndrome. Last evaluated: 2025-12-06. Review status: criteria provided, single submitter. Criteria: ACMG Guidelines, 2015. Collection method: clinical testing. Allele origin: germline.
Comment: A STAMBP c.459G>T (p.Lys153Asn) variant was identified at a near heterozygous allelic fraction of 48.8%, a frequency which may be consistent with it being of germline origin. This variant, to our knowledge, has not been reported in the medical literature or the ClinVar database. It is only observed on 1/1,614,210 alleles in the general population (gnomAD v4.1.0), indicating it is not a common variant. Computational predictors suggest that the variant does not impact STAMBP function. Due to limited information, and based on ACMG/AMP guidelines for variant interpretation (Richards S et al., PMID: 25741868), the clinical significance of this variant is uncertain at this time.

Ambry Genetics
Classification: Uncertain significance for Inborn genetic diseases. Last evaluated: 2025-08-21. Review status: criteria provided, single submitter. Criteria: Ambry Variant Classification Scheme 2023. Collection method: clinical testing. Allele origin: germline.

NM_213622.4(STAMBP):c.459G>T (p.Lys153Asn)

Gene: STAMBP (STAM binding protein; plus strand). Cytogenetic location: 2p13.1.
Variant type: single nucleotide variant.
Coding change: c.459G>T on transcript NM_213622.4 (MANE Select); coding-DNA position 459, G replaced by T.
Protein change: p.Lys153Asn; replaces lysine 153 with asparagine.
Molecular consequence: missense variant. On other transcripts: non-coding transcript variant (4).
Genome position (GRCh38, 1-based): chr2:73,847,470, G>T. VCF-style: chr2-73847470-G-T. GRCh37 (hg19) VCF-style: chr2-74074597-G-T.
Other names: c.459G>T, p.Lys153Asn (NM_001353967.2, NM_001353968.2, NM_001353969.2 and 7 more transcripts); c.54G>T, p.Lys18Asn (NM_001353971.2, NM_001353972.2, NM_001353973.2 and 3 more transcripts); short protein forms K153N, K18N.
Identifiers: ClinVar variation 4176129 (VCV004176129.2).